The following is an entry in ClinVar:

ClinVar aggregate classification (germline): Pathogenic. Review status: criteria provided, multiple submitters, no conflicts (2 of 4 stars). 3 submissions from 3 submitters: Pathogenic (3). Last evaluated 2025-10-07.

Conditions:
Hereditary cancer-predisposing syndrome. Also called: Hereditary neoplastic syndrome; Hereditary Cancer Syndrome; Neoplastic Syndromes, Hereditary; Tumor predisposition. Identifiers: Orphanet 140162, MedGen C0027672, MeSH D009386, MONDO:0015356.
Hereditary nonpolyposis colorectal neoplasms. Identifiers: MedGen C0009405, MeSH D003123.

Submissions (3):

Labcorp Genetics (formerly Invitae), Labcorp
Classification: Pathogenic for Hereditary nonpolyposis colorectal neoplasms. Last evaluated: 2025-10-07. Review status: criteria provided, single submitter. Criteria: Invitae Variant Classification Sherloc (09022015). Collection method: clinical testing. Allele origin: germline.
Comment: This sequence change creates a premature translational stop signal (p.Trp106*) in the MSH6 gene. It is expected to result in an absent or disrupted protein product. Loss-of-function variants in MSH6 are known to be pathogenic (PMID: 18269114, 24362816). This variant is not present in population databases (gnomAD no frequency). This variant has not been reported in the literature in individuals affected with MSH6-related conditions. ClinVar contains an entry for this variant (Variation ID: 1176394). For these reasons, this variant has been classified as Pathogenic.

Ambry Genetics
Classification: Pathogenic for Hereditary cancer-predisposing syndrome. Last evaluated: 2021-05-12. Review status: criteria provided, single submitter. Criteria: Ambry Variant Classification Scheme 2023. Collection method: clinical testing. Allele origin: germline.
Comment: The p.W106* pathogenic mutation (also known as c.318G>A), located in coding exon 2 of the MSH6 gene, results from a G to A substitution at nucleotide position 318. This changes the amino acid from a tryptophan to a stop codon within coding exon 2. This alteration is expected to result in loss of function by premature protein truncation or nonsense-mediated mRNA decay. As such, this alteration is interpreted as a disease-causing mutation.

CeGaT Center for Human Genetics Tuebingen
Classification: Pathogenic. Last evaluated: 2021-04-01. Review status: criteria provided, single submitter. Criteria: CeGaT Center For Human Genetics Tuebingen Variant Classification Criteria Version 2. Collection method: clinical testing. Allele origin: germline. Affected: yes. Observed: 1 variant allele.

Literature cited by the submitters: PubMed 18269114 (cited by Labcorp Genetics (formerly Invitae), Labcorp); PubMed 24362816 (cited by Labcorp Genetics (formerly Invitae), Labcorp).

NM_000179.3(MSH6):c.318G>A (p.Trp106Ter)

Gene: MSH6 (mutS homolog 6; plus strand). Cytogenetic location: 2p16.3.
Variant type: single nucleotide variant.
Coding change: c.318G>A on transcript NM_000179.3 (MANE Select); coding-DNA position 318, G replaced by A.
Protein change: p.Trp106Ter; replaces tryptophan 106 with a stop codon.
Molecular consequence: nonsense. On other transcripts: 5 prime UTR variant (2), intron variant (1).
Genome position (GRCh38, 1-based): chr2:47,790,984, G>A. VCF-style: chr2-47790984-G-A. GRCh37 (hg19) VCF-style: chr2-48018123-G-A.
Other names: c.-419G>A (NM_001281493.2); c.-585G>A (NM_001281494.2); c.237+7514G>A (NM_001281492.2); short protein forms W106*.
Identifiers: ClinVar variation 1176394 (VCV001176394.38), dbSNP rs1572708652, ClinGen allele CA346736880.